The following is an entry in ClinVar:

ClinVar aggregate classification (germline): Likely benign. Review status: criteria provided, multiple submitters, no conflicts (2 of 4 stars). 2 submissions from 2 submitters: Likely benign (2). Last evaluated 2024-10-31.

Conditions:
SKI-related disorder. Also called: SKI-related condition.
Shprintzen-Goldberg syndrome (SGS). Also called: SHPRINTZEN-GOLDBERG CRANIOSYNOSTOSIS SYNDROME; CRANIOSYNOSTOSIS WITH ARACHNODACTYLY AND ABDOMINAL HERNIAS; Marfanoid disorder with craniosynostosis type 1; Marfanoid craniosynostosis syndrome; Shprintzen-Goldberg marfanoid syndrome. Identifiers: Orphanet 2462, MedGen C1321551, MONDO:0008426, OMIM 182212.

Allele frequency attached by ClinVar (database versions not stated): gnomAD exomes 0.00001; ExAC 0.00002.
gnomAD v4.1: 5 of 1,596,090 alleles (0.00031%); highest among the groups gnomAD compares: South Asian, 0.0011%; no homozygotes.

Submissions (2):

PreventionGenetics, part of Exact Sciences
Classification: Likely benign for SKI-related condition. Last evaluated: 2024-10-31. Review status: criteria provided, single submitter. Criteria: ACMG Guidelines, 2015. Collection method: clinical testing. Allele origin: germline.
Comment: This variant is classified as likely benign based on ACMG/AMP sequence variant interpretation guidelines (Richards et al. 2015 PMID: 25741868, with internal and published modifications).

Labcorp Genetics (formerly Invitae), Labcorp
Classification: Likely benign for Shprintzen-Goldberg syndrome. Last evaluated: 2023-04-03. Review status: criteria provided, single submitter. Criteria: Invitae Variant Classification Sherloc (09022015). Collection method: clinical testing. Allele origin: germline.

NM_003036.4(SKI):c.585C>T (p.Tyr195=)

Gene: SKI (SKI proto-oncogene; plus strand). Cytogenetic location: 1p36.33.
Variant type: single nucleotide variant.
Coding change: c.585C>T on transcript NM_003036.4 (MANE Select); coding-DNA position 585, C replaced by T.
Protein change: p.Tyr195=; no amino-acid change (tyrosine 195 retained).
Molecular consequence: synonymous variant.
Genome position (GRCh38, 1-based): chr1:2,229,351, C>T. VCF-style: chr1-2229351-C-T. GRCh37 (hg19) VCF-style: chr1-2160790-C-T.
Other names: c.585C>T (NM_003036.3).
Identifiers: ClinVar variation 2731200 (VCV002731200.4), dbSNP rs757121499, ClinGen allele CA536416.